The following is an entry in ClinVar:

ClinVar aggregate classification (germline): Pathogenic/Likely pathogenic. Review status: criteria provided, multiple submitters, no conflicts (2 of 4 stars). 10 submissions from 9 submitters: Pathogenic (3); Likely pathogenic (3). 4 of the submissions do not count toward it. Last evaluated 2026-10-03.

Conditions:
Alazami-Yuan syndrome (ALYUS). Identifiers: Orphanet 694946, MedGen C4310702, MONDO:0014931, OMIM 617126.
Syndromic intellectual disability. Also called: Intellectual disability syndrome. Identifiers: Orphanet 183763, MedGen C5680525, MONDO:0000508.
Inborn genetic diseases. Identifiers: MedGen C0950123, MeSH D030342.
Abnormal facial shape. Also called: Dysmorphic facial features; Dysmorphic facies. Identifiers: MedGen C0424503, HP:0001999.
Global developmental delay (DD). Also called: Cognitive delay. Identifiers: MedGen C0557874, HP:0001263. Disease mechanism: loss of function.
Intellectual disability. Also called: intellectual disabilities; Intellectual developmental disorder; Intellectual functioning disability. Identifiers: MedGen C3714756, MeSH D008607, MONDO:0001071, HP:0001249.

Allele frequency attached by ClinVar (database versions not stated): gnomAD 0.00002; ExAC 0.00003; gnomAD exomes 0.00003; ESP Exome Variant Server 0.00008; TOPMed 0.00008.

Submissions (10):

GeneDx
Classification: Pathogenic. Last evaluated: 2026-10-03. Review status: criteria provided, single submitter. Criteria: GeneDx Variant Classification Process June 2021. Collection method: clinical testing. Allele origin: germline.
Comment: Published functional studies demonstrate a damaging effect in a Drosophila cell line with this variant (PMID: 25574841); In silico analysis supports that this missense variant has a deleterious effect on protein structure/function; This variant is associated with the following publications: (PMID: 25574841, 26633546, 25558065, 25363768, 32030742, 11295558, 31785789, 34803598, 35317131, 40558542, 40321225, 35982160, 35982159, 35051175, 31133750, Staykova2024[casereport], 41078589)

Genomic Medicine Center of Excellence, King Faisal Specialist Hospital and Research Centre
Classification: Pathogenic for Alazami-Yuan syndrome. Last evaluated: 2024-03-17. Review status: criteria provided, single submitter. Criteria: ACMG Guidelines, 2015. Collection method: research. Allele origin: germline.

Revvity Omics, Revvity
Classification: Likely pathogenic for Alazami-Yuan syndrome. Last evaluated: 2023-02-18. Review status: criteria provided, single submitter. Criteria: ACMG Guidelines, 2015. Collection method: clinical testing. Allele origin: germline.

Ambry Genetics
Classification: Pathogenic for Inborn genetic diseases. Last evaluated: 2016-01-04. Review status: criteria provided, single submitter. Criteria: Ambry exome assertion method (8-5-2015). Collection method: clinical testing. Allele origin: germline. Affected: yes. Observed: 1 variant allele.

Centre for Mendelian Genomics, University Medical Centre Ljubljana
Classification: Likely pathogenic for Alazami-Yuan syndrome. Last evaluated: 2016-01-01. Review status: criteria provided, single submitter. Criteria: ACMG Guidelines, 2015. Collection method: clinical testing. Allele origin: unknown. Affected: yes.
Comment: This variant was classified as: Likely pathogenic. The following ACMG criteria were applied in classifying this variant: PS1,PM2,PP3. This variant was detected in homozygous state.

Juno Genomics, Hangzhou Juno Genomics, Inc
Classification: Likely pathogenic for Alazami-Yuan syndrome. Review status: criteria provided, single submitter. Criteria: ACMG Guidelines, 2015. Collection method: clinical testing. Allele origin: germline.
Comment: Absent from controls (or at extremely low frequency if recessive) in Genome Aggregation Database.;Multiple lines of computational evidence support a deleterious effect on the gene or gene product.;For recessive disorders, detected in trans with a pathogenic variant.;Co-segregation with disease in multiple affected family members.

OMIM
Classification: Pathogenic for ALAZAMI-YUAN SYNDROME. Last evaluated: 2015-02-01. Review status: no assertion criteria provided. Collection method: literature only. Allele origin: germline. Not counted in ClinVar's aggregate classification.

Lupski Lab, Baylor-Hopkins CMG, Baylor College of Medicine
Classification: Pathogenic for Syndromic intellectual disability. Last evaluated: 2014-12-02. Review status: no assertion criteria provided. Collection method: research. Allele origin: biparental. Affected: yes. Observed: 1 homozygote. Not counted in ClinVar's aggregate classification.

Genomic Medicine Center of Excellence, King Faisal Specialist Hospital and Research Centre
Classification: Likely pathogenic for Global developmental delay; Dysmorphic facies. Last evaluated: 2014-12-01. Review status: no assertion criteria provided. Criteria: research. Collection method: research. Allele origin: germline. Affected: yes. Not counted in ClinVar's aggregate classification.

Cambridge Genomics Laboratory, East Genomic Laboratory Hub, NHS Genomic Medicine Service
Classification: Uncertain significance for Intellectual disability. Last evaluated: 2020-05-14. Review status: flagged submission. Criteria: ACGS Best Practice Guidelines for Variant Classification in Rare Disease 2020. Collection method: clinical testing. Allele origin: germline. Affected: yes. Observed: 1 variant allele. Not counted in ClinVar's aggregate classification.
ClinVar note: Reason: Outlier claim with insufficient supporting evidence

Literature cited by the submitters: PubMed 11295558 (cited by Ambry Genetics); PubMed 25558065 (cited by OMIM and Genomic Medicine Center of Excellence, King Faisal Specialist Hospital and Research Centre); PubMed 25574841 (cited by OMIM and Lupski Lab, Baylor-Hopkins CMG, Baylor College of Medicine).

NM_139315.3(TAF6):c.212T>C (p.Ile71Thr)

Gene: TAF6 (TATA-box binding protein associated factor 6; minus strand). Cytogenetic location: 7q22.1.
Variant type: single nucleotide variant.
Coding change: c.212T>C on transcript NM_139315.3 (MANE Select); coding-DNA position 212, T replaced by C.
Protein change: p.Ile71Thr; replaces isoleucine 71 with threonine.
Molecular consequence: missense variant. On other transcripts: non-coding transcript variant (1).
Genome position (GRCh38, 1-based): chr7:100,113,899, A>G on the plus strand (T>C on the coding strand, the complement: TAF6 is on the minus strand). VCF-style: chr7-100113899-A-G. GRCh37 (hg19) VCF-style: chr7-99711522-A-G.
Other names: c.323T>C, p.Ile108Thr (NM_001190415.2); c.212T>C, p.Ile71Thr (NM_001364998.1, NM_001364999.1, NM_005641.4); c.182T>C, p.Ile61Thr (NM_001365000.1, NM_001365001.1, NM_001365002.1 and 1 more transcripts); c.350T>C, p.Ile117Thr (NM_001365004.1); short protein forms I108T, I71T, I117T, I61T.
Identifiers: ClinVar variation 180204 (VCV000180204.17), dbSNP rs374993554, ClinGen allele CA249955.